The following is an entry in ClinVar:

NM_001197104.2(KMT2A):c.11666G>A (p.Arg3889Gln)

Genes: KMT2A (lysine methyltransferase 2A; plus strand), TTC36-AS1 (TTC36 and KMT2A antisense RNA 1; minus strand). Cytogenetic location: 11q23.3.
Variant type: single nucleotide variant.
Coding change: c.11666G>A on transcript NM_001197104.2 (MANE Select); coding-DNA position 11666, G replaced by A.
Protein change: p.Arg3889Gln; replaces arginine 3889 with glutamine.
Molecular consequence: missense variant.
Genome position (GRCh38, 1-based): chr11:118,521,919, G>A. VCF-style: chr11-118521919-G-A. GRCh37 (hg19) VCF-style: chr11-118392634-G-A.
Other names: c.11756G>A, p.Arg3919Gln (NM_001412597.1); c.11657G>A, p.Arg3886Gln (NM_005933.4); short protein forms R3919Q, R3886Q, R3889Q.
Identifiers: ClinVar variation 2974367 (VCV002974367.4), dbSNP rs1555053677, ClinGen allele CA382836019.
Genomic context (GRCh38, chr11:118,521,919, plus strand): 5'-GAAATGACAAGTTCTTCTCCCTTCTTCTGCATGTGCAGGGCATTGGTTGCTATATGTTCC[G>A]AATTGATGACTCAGAGGTAGTGGATGCCACCATGCATGGAAATGCTGCACGCTTCATCAA-3'
Protein context (NP_001184033.1, residues 3879-3899): DSKGIGCYMF[Arg3889Gln]IDDSEVVDAT

ClinVar aggregate classification (germline): Uncertain significance. Review status: criteria provided, multiple submitters, no conflicts (2 of 4 stars). 2 submissions from 2 submitters: Uncertain significance (2). Last evaluated 2023-10-16.

Allele frequency attached by ClinVar (database versions not stated): gnomAD exomes below 0.00001; gnomAD 0.00001.
gnomAD v4.1: 4 of 1,613,802 alleles (0.00025%); highest among the groups gnomAD compares: South Asian, 0.0011%; no homozygotes.

Submissions (2):

GeneDx
Classification: Uncertain significance. Last evaluated: 2023-10-16. Review status: criteria provided, single submitter. Criteria: GeneDx Variant Classification Process June 2021. Collection method: clinical testing. Allele origin: germline. Affected: yes.
Comment: In silico analysis supports that this missense variant has a deleterious effect on protein structure/function; Has not been previously published as pathogenic or benign to our knowledge

Labcorp Genetics (formerly Invitae), Labcorp
Classification: Uncertain significance. Last evaluated: 2023-04-27. Review status: criteria provided, single submitter. Criteria: Invitae Variant Classification Sherloc (09022015). Collection method: clinical testing. Allele origin: germline.
Comment: In summary, the available evidence is currently insufficient to determine the role of this variant in disease. Therefore, it has been classified as a Variant of Uncertain Significance. Advanced modeling of protein sequence and biophysical properties (such as structural, functional, and spatial information, amino acid conservation, physicochemical variation, residue mobility, and thermodynamic stability) has been performed at Invitae for this missense variant, however the output from this modeling did not meet the statistical confidence thresholds required to predict the impact of this variant on KMT2A protein function. This variant has not been reported in the literature in individuals affected with KMT2A-related conditions. This variant is present in population databases (no rsID available, gnomAD 0.0009%). This sequence change replaces arginine, which is basic and polar, with glutamine, which is neutral and polar, at codon 3889 of the KMT2A protein (p.Arg3889Gln).